The following is an entry in ClinVar:

ClinVar aggregate classification (germline): Uncertain significance (1 of 4 stars; one submission).

Allele frequency attached by ClinVar (database versions not stated): gnomAD exomes below 0.00001; ExAC 0.00001; gnomAD 0.00001.
gnomAD v4.1: 3 of 1,613,250 alleles (0.00019%); highest among the groups gnomAD compares: African/African-American, 0.0013%; no homozygotes.

Submission:

Labcorp Genetics (formerly Invitae), Labcorp
Classification: Uncertain significance. Last evaluated: 2024-01-04. Review status: criteria provided, single submitter. Criteria: Invitae Variant Classification Sherloc (09022015). Collection method: clinical testing. Allele origin: germline.
Comment: This sequence change falls in intron 13 of the CLCN7 gene. It does not directly change the encoded amino acid sequence of the CLCN7 protein. It affects a nucleotide within the consensus splice site. This variant is present in population databases (rs764787987, gnomAD 0.007%). This variant has not been reported in the literature in individuals affected with CLCN7-related conditions. Variants that disrupt the consensus splice site are a relatively common cause of aberrant splicing (PMID: 17576681, 9536098). Algorithms developed to predict the effect of sequence changes on RNA splicing suggest that this variant is not likely to affect RNA splicing. In summary, the available evidence is currently insufficient to determine the role of this variant in disease. Therefore, it has been classified as a Variant of Uncertain Significance.

Literature cited by the submitters: PubMed 17576681; PubMed 9536098.

NM_001287.6(CLCN7):c.1153+6G>A

Gene: CLCN7 (chloride voltage-gated channel 7; minus strand). Cytogenetic location: 16p13.3.
Variant type: single nucleotide variant.
Coding change: c.1153+6G>A on transcript NM_001287.6 (MANE Select); 6 bases into the intron after coding-DNA position 1153, G replaced by A.
Molecular consequence: intron variant.
Genome position (GRCh38, 1-based): chr16:1,454,405, C>T on the plus strand (G>A on the coding strand, the complement: CLCN7 is on the minus strand). VCF-style: chr16-1454405-C-T. GRCh37 (hg19) VCF-style: chr16-1504406-C-T.
Other names: c.1081+6G>A (NM_001114331.3).
Identifiers: ClinVar variation 2696514 (VCV002696514.3), dbSNP rs764787987, ClinGen allele CA7810423.
Genomic context (GRCh38, chr16:1,454,405, plus strand): 5'-CTATGGCCACGTCACAGCTGAGCCAGGCCCGCAGGCCGTCCCTGCGGTGCTGGGAGAAGC[C>T]CTTACCCACCACGCCCATGGCGATGAAGACCGGGATCTCGTGGATCGTGTAGGCCATTTT-3'